The following continues an entry in ClinVar:

NM_001130987.2(DYSF):c.2929C>T (p.Arg977Trp)

Gene: DYSF. ClinVar aggregate classification (germline): Pathogenic. Pathogenic (1).

Submissions 10 to 18 of 18:

GeneDx
Classification: Pathogenic. Last evaluated: 2023-09-05. Review status: criteria provided, single submitter. Criteria: GeneDx Variant Classification Process June 2021. Collection method: clinical testing. Allele origin: germline. Affected: yes. Not counted in ClinVar's aggregate classification.
Comment: In silico analysis, which includes protein predictors and evolutionary conservation, supports a deleterious effect; Not observed at significant frequency in large population cohorts (gnomAD); This variant is associated with the following publications: (PMID: 19528035, 26806107, 22194990, 14678801, 17994539, 16100712, 21522182, 17070050, 30028523, 31130284, 34426522, 31589614, 33258288, 32528171, 33715265, 33610434, 35175440, 34559919, 24438169)

CeGaT Center for Human Genetics Tuebingen
Classification: Pathogenic. Last evaluated: 2023-02-01. Review status: criteria provided, single submitter. Criteria: CeGaT Center For Human Genetics Tuebingen Variant Classification Criteria Version 2. Collection method: clinical testing. Allele origin: germline. Affected: yes. Observed: 4 variant alleles. Not counted in ClinVar's aggregate classification.

Clinical Genetics Laboratory, Skane University Hospital Lund
Classification: Likely pathogenic. Last evaluated: 2022-07-13. Review status: criteria provided, single submitter. Criteria: ACMG Guidelines, 2015. Collection method: clinical testing. Allele origin: germline. Affected: yes. Not counted in ClinVar's aggregate classification.

Revvity Omics, Revvity
Classification: Pathogenic. Last evaluated: 2020-11-18. Review status: criteria provided, single submitter. Criteria: ACMG Guidelines, 2015. Collection method: clinical testing. Allele origin: germline. Not counted in ClinVar's aggregate classification.

Mayo Clinic Laboratories, Mayo Clinic
Classification: Pathogenic. Last evaluated: 2020-05-28. Review status: criteria provided, single submitter. Criteria: ACMG Guidelines, 2015. Collection method: clinical testing. Allele origin: germline. Observed: 1 variant allele. Not counted in ClinVar's aggregate classification.
Comment: PS3, PS4_moderate, PM2, PP1, PP4

Eurofins Ntd Llc (ga)
Classification: Pathogenic. Last evaluated: 2015-11-10. Review status: criteria provided, single submitter. Criteria: EGL Classification Definitions 2015. Collection method: clinical testing. Allele origin: germline. Observed: 7 variant alleles, 7 heterozygotes. Not counted in ClinVar's aggregate classification.

Clinical Genetics Service, Universitary Hospital 12 de Octubre
Classification: Pathogenic for Autosomal recessive limb-girdle muscular dystrophy type 2B. Review status: criteria provided, single submitter. Criteria: ACMG Guidelines, 2015. Collection method: clinical testing. Allele origin: germline. Affected: yes. Not counted in ClinVar's aggregate classification.

Juno Genomics, Hangzhou Juno Genomics, Inc
Classification: Likely pathogenic for Miyoshi muscular dystrophy 1; Autosomal recessive limb-girdle muscular dystrophy type 2B; Distal myopathy with anterior tibial onset. Review status: criteria provided, single submitter. Criteria: ACMG Guidelines, 2015. Collection method: clinical testing. Allele origin: germline. Not counted in ClinVar's aggregate classification.
Comment: Absent from controls (or at extremely low frequency if recessive) in Genome Aggregation Database.;Multiple lines of computational evidence support a deleterious effect on the gene or gene product.;For recessive disorders, detected in trans with a pathogenic variant.;Patient's phenotype or family history is highly specific for a disease with a single genetic etiology.

Counsyl
Classification: Pathogenic for Autosomal recessive limb-girdle muscular dystrophy type 2B. Last evaluated: 2017-04-28. Review status: no assertion criteria provided. Collection method: clinical testing. Allele origin: unknown. Not counted in ClinVar's aggregate classification.

Literature cited by the submitters: PubMed 14678801 (cited by 3 submitters); PubMed 16934466 (cited by 3 submitters); PubMed 17070050 (cited by 4 submitters); PubMed 19528035 (cited by 4 submitters); PubMed 21522182 (cited by Labcorp Genetics (formerly Invitae), Labcorp and Counsyl); PubMed 22194990 (cited by 4 submitters); PubMed 37188302 (cited by Variantyx, Inc.); PubMed 30028523 (cited by Variantyx, Inc. and Mayo Clinic Laboratories, Mayo Clinic); PubMed 28877744 (cited by Variantyx, Inc.); PubMed 22057634 (cited by Variantyx, Inc.); PubMed 16100712 (cited by Variantyx, Inc. and Natera, Inc.); PubMed 31517061 (cited by Variantyx, Inc.); PubMed 26806107 (cited by Mayo Clinic Laboratories, Mayo Clinic and Counsyl); PubMed 17994539 (cited by Counsyl).